The following is an entry in ClinVar:

ClinVar aggregate classification (germline): Likely pathogenic (1 of 4 stars; one submission).

Conditions:
Cardiovascular phenotype. Identifiers: MedGen CN230736.

Submission:

Ambry Genetics
Classification: Likely pathogenic for Cardiovascular phenotype. Last evaluated: 2023-09-01. Review status: criteria provided, single submitter. Criteria: Ambry Variant Classification Scheme 2023. Collection method: clinical testing. Allele origin: germline.
Comment: The c.68148delA variant, located in coding exon 170 of the TTN gene, results from a deletion of one nucleotide at nucleotide position 68148, causing a translational frameshift with a predicted alternate stop codon (p.V22717*). This exon is located in the A-band region of the N2-B isoform of the titin protein and is constitutively expressed in TTN transcripts (percent spliced in or PSI 100%). This variant is considered to be rare based on population cohorts in the Genome Aggregation Database (gnomAD). This alteration is expected to result in loss of function by premature protein truncation or nonsense-mediated mRNA decay. While truncating variants in TTN are present in 1-3% of the general population, truncating variants in the A-band are the most common cause of dilated cardiomyopathy (DCM) (Herman DS et al. N. Engl. J. Med., 2012 Feb;366:619-28; Roberts AM et al. Sci Transl Med, 2015 Jan;7:270ra6). TTN truncating variants encoded in constitutive exons (PSI >90%) have been found to be significantly associated with DCM regardless of their position in titin (Schafer S et al. Nat. Genet., 2017 01;49:46-53). Based on the majority of available evidence to date, this variant is likely to be pathogenic.

NM_001267550.2(TTN):c.95343del (p.Arg31781_Val31782insTer)

Genes: TTN (titin; minus strand), TTN-AS1 (TTN antisense RNA 1; plus strand). Cytogenetic location: 2q31.2.
Variant type: Deletion.
Coding change: c.95343del on transcript NM_001267550.2 (MANE Select); coding-DNA position 95343, one base deleted (A; older notation c.95343delA).
Protein change: p.Arg31781_Val31782insTer.
Molecular consequence: frameshift variant.
Genome position (GRCh38, 1-based): chr2:178,545,893, T deleted on the plus strand (A on the coding strand, the reverse complement: TTN is on the minus strand). VCF-style (leftmost placement, unchanged base first): chr2-178545892-CT-C. GRCh37 (hg19) VCF-style: chr2-179410619-CT-C.
Other names: c.90420del, p.Arg30140_Val30141insTer (NM_001256850.1); c.68148del, p.Arg22716_Val22717insTer (NM_003319.4); c.87639del, p.Arg29213_Val29214insTer (NM_133378.4); c.68523del, p.Arg22841_Val22842insTer (NM_133432.3); c.68724del, p.Arg22908_Val22909insTer (NM_133437.4); c.68148delA (NM_003319.4).
Identifiers: ClinVar variation 2586571 (VCV002586571.2), dbSNP rs2469025705, ClinGen allele CA2582341686.
Genomic context (GRCh38, chr2:178,545,892, plus strand): 5'-TGGCTACAATTGGCTCTGATTCAACAGGCACACCAGGGCCATATTTGTTTACTGCCCTCA[CT>C]CGGAATATGTACTCATTGTTCTTGATGAGCCTGGTAACGACATAGGATAGGGTTGGGCAT-3'